The following is an entry in ClinVar:

ClinVar aggregate classification (germline): Benign. Review status: criteria provided, multiple submitters, no conflicts (2 of 4 stars). 2 submissions from 2 submitters: Benign (2). Last evaluated 2018-01-12.

Conditions:
Neonatal diabetes mellitus with congenital hypothyroidism. Also called: NDH SYNDROME. Identifiers: Orphanet 79118, MedGen C1857775, MONDO:0012436, OMIM 610199.

Allele frequency attached by ClinVar (database versions not stated): gnomAD 0.02897 and 0.02978; TOPMed 0.03036; 1000 Genomes Project 0.03534; 1000 Genomes Project 30x 0.03560; gnomAD exomes 0.05652.
gnomAD v4.1: 4,501 of 152,314 alleles (3%); highest among the groups gnomAD compares: Admixed American, 9.8%; 146 homozygotes.

Submissions (2):

Illumina Laboratory Services, Illumina
Classification: Benign for Neonatal diabetes mellitus with congenital hypothyroidism. Last evaluated: 2018-01-12. Review status: criteria provided, single submitter. Criteria: ICSL Variant Classification Criteria 13 December 2019. Collection method: clinical testing. Allele origin: germline.
Comment: This variant was observed in the ICSL laboratory as part of a predisposition screen in an ostensibly healthy population. It had not been previously curated by ICSL or reported in the Human Gene Mutation Database (HGMD: prior to June 1st, 2018), and was therefore a candidate for classification through an automated scoring system. Utilizing variant allele frequency, disease prevalence and penetrance estimates, and inheritance mode, an automated score was calculated to assess if this variant is too frequent to cause the disease. Based on the score and internal cut-off values, a variant classified as benign is not then subjected to further curation. The score for this variant resulted in a classification of benign for this disease.

Breakthrough Genomics
Classification: Benign. Review status: criteria provided, single submitter. Criteria: ACMG Guidelines, 2015. Collection method: not provided. Allele origin: germline. Inheritance: Autosomal recessive inheritance. Affected: yes.

NM_001042413.2(GLIS3):c.-681C>T

Genes: GLIS3-AS2 (GLIS3 antisense RNA 2; plus strand), GLIS3 (GLIS family zinc finger 3; minus strand). Cytogenetic location: 9p24.2.
Variant type: single nucleotide variant.
Coding change: c.-681C>T on transcript NM_001042413.2 (MANE Select); 681 bases upstream of the start codon, C replaced by T.
Molecular consequence: 5 prime UTR variant.
Genome position (GRCh38, 1-based): chr9:4,300,003, G>A on the plus strand (C>T on the coding strand, the complement: GLIS3 is on the minus strand). VCF-style: chr9-4300003-G-A. GRCh37 (hg19) VCF-style: chr9-4300003-G-A.
Identifiers: ClinVar variation 367021 (VCV000367021.6), dbSNP rs138857227, ClinGen allele CA10634189.